The following is an entry in ClinVar:

ClinVar aggregate classification (germline): Uncertain significance (1 of 4 stars; one submission).

Submission:

GeneDx
Classification: Uncertain significance. Last evaluated: 2022-09-01. Review status: criteria provided, single submitter. Criteria: GeneDx Variant Classification Process June 2021. Collection method: clinical testing. Allele origin: germline. Affected: yes.
Comment: Not observed at significant frequency in large population cohorts (gnomAD); In silico analysis supports that this missense variant does not alter protein structure/function; Has not been previously published as pathogenic or benign to our knowledge

NM_001130438.3(SPTAN1):c.4938G>C (p.Gln1646His)

Gene: SPTAN1 (spectrin alpha, non-erythrocytic 1; plus strand). Cytogenetic location: 9q34.11.
Variant type: single nucleotide variant.
Coding change: c.4938G>C on transcript NM_001130438.3 (MANE Select); coding-DNA position 4938, G replaced by C.
Protein change: p.Gln1646His; replaces glutamine 1646 with histidine.
Molecular consequence: missense variant.
Genome position (GRCh38, 1-based): chr9:128,612,141, G>C. VCF-style: chr9-128612141-G-C. GRCh37 (hg19) VCF-style: chr9-131374420-G-C.
Other names: c.4863G>C, p.Gln1621His (NM_001195532.2); c.4938G>C, p.Gln1646His (NM_001363759.2, NM_001375310.1, NM_001375311.2 and 1 more transcripts); c.4878G>C, p.Gln1626His (NM_001363765.2, NM_001375314.2); c.4974G>C, p.Gln1658His (NM_001375312.2, NM_001375318.1); c.4923G>C, p.Gln1641His (NM_003127.4); short protein forms Q1621H, Q1626H, Q1641H, Q1646H, Q1658H.
Identifiers: ClinVar variation 2442751 (VCV002442751.1), dbSNP rs2131681973, ClinGen allele CA375070963.